The following is an entry in ClinVar:

ClinVar aggregate classification (germline): Conflicting classifications of pathogenicity. Review status: criteria provided, conflicting classifications (1 of 4 stars). 9 submissions from 9 submitters: Uncertain significance (7); Likely benign (2). Last evaluated 2025-09-26.

Conditions:
TMEM43-related disorder. Also called: TMEM43-related condition.
Cardiovascular phenotype. Identifiers: MedGen CN230736.
Cardiomyopathy (CMYO). Also called: Cardiomyopathies. Identifiers: Orphanet 167848, MedGen C0878544, MONDO:0004994, HP:0001638. Inheritance: Various modes of inheritance.
Arrhythmogenic right ventricular dysplasia 5. Also called: Arrhythmogenic Right Ventricular Dysplasia/Cardiomyopathy 5; ARRHYTHMOGENIC RIGHT VENTRICULAR DYSPLASIA, FAMILIAL, 5. Identifiers: MedGen C1858379, MONDO:0011459, OMIM 604400.

Allele frequency attached by ClinVar (database versions not stated): ExAC 0.00001; gnomAD exomes 0.00003; gnomAD 0.00005 and 0.00006; TOPMed 0.00006; ESP Exome Variant Server 0.00008.
gnomAD v4.1: 153 of 1,613,708 alleles (0.0095%); highest among the groups gnomAD compares: Non-Finnish European, 0.013%; no homozygotes.

Submissions (9):

PreventionGenetics, part of Exact Sciences
Classification: Uncertain significance for TMEM43-related condition. Last evaluated: 2025-09-26. Review status: criteria provided, single submitter. Criteria: ACMG Guidelines, 2015. Collection method: clinical testing. Allele origin: germline.
Comment: The TMEM43 c.214G>A variant is predicted to result in the amino acid substitution p.Val72Met. This variant was reported in an individual with dilated cardiomyopathy (Table S1A, Walsh et al. 2017. PubMed ID: 27532257). This variant is reported in 0.0093% of alleles in individuals of European (Non-Finnish) descent in gnomAD. At this time, the clinical significance of this variant is uncertain due to the absence of conclusive functional and genetic evidence.

Labcorp Genetics (formerly Invitae), Labcorp
Classification: Uncertain significance for Arrhythmogenic right ventricular dysplasia 5. Last evaluated: 2025-08-25. Review status: criteria provided, single submitter. Criteria: Invitae Variant Classification Sherloc (09022015). Collection method: clinical testing. Allele origin: germline.
Comment: This sequence change replaces valine, which is neutral and non-polar, with methionine, which is neutral and non-polar, at codon 72 of the TMEM43 protein (p.Val72Met). This variant is present in population databases (rs368603914, gnomAD 0.009%). This missense change has been observed in individual(s) with dilated cardiomyopathy (PMID: 27532257). ClinVar contains an entry for this variant (Variation ID: 202124). Invitae Evidence Modeling of protein sequence and biophysical properties (such as structural, functional, and spatial information, amino acid conservation, physicochemical variation, residue mobility, and thermodynamic stability) has been performed for this missense variant. However, the output from this modeling did not meet the statistical confidence thresholds required to predict the impact of this variant on TMEM43 protein function. In summary, the available evidence is currently insufficient to determine the role of this variant in disease. Therefore, it has been classified as a Variant of Uncertain Significance.

Color Diagnostics, LLC DBA Color Health
Classification: Likely benign for Cardiomyopathy. Last evaluated: 2024-08-27. Review status: criteria provided, single submitter. Criteria: ACMG Guidelines, 2015. Collection method: clinical testing. Allele origin: germline.

Ambry Genetics
Classification: Likely benign for Cardiovascular phenotype. Last evaluated: 2024-05-16. Review status: criteria provided, single submitter. Criteria: Ambry Variant Classification Scheme 2023. Collection method: clinical testing. Allele origin: germline.

GeneDx
Classification: Uncertain significance. Last evaluated: 2023-10-05. Review status: criteria provided, single submitter. Criteria: GeneDx Variant Classification Process June 2021. Collection method: clinical testing. Allele origin: germline. Affected: yes.
Comment: In silico analysis supports that this missense variant does not alter protein structure/function; This variant is associated with the following publications: (PMID: 27532257)

All of Us Research Program, National Institutes of Health
Classification: Uncertain significance for Arrhythmogenic right ventricular dysplasia 5. Last evaluated: 2023-10-02. Review status: criteria provided, single submitter. Criteria: ACMG Guidelines, 2015. Collection method: clinical testing. Allele origin: germline. Inheritance: Autosomal dominant inheritance. Observed: 10 variant alleles, 10 heterozygotes.
Comment: This missense variant replaces valine with methionine at codon 72 of the TMEM43 protein. Computational prediction suggests that this variant may not impact protein structure and function (internally defined REVEL score threshold <= 0.5, PMID: 27666373). To our knowledge, functional studies have not been reported for this variant. This variant has not been reported in individuals affected with cardiovascular disorders in the literature. This variant has been identified in 12/282486 chromosomes in the general population by the Genome Aggregation Database (gnomAD). The available evidence is insufficient to determine the role of this variant in disease conclusively. Therefore, this variant is classified as a Variant of Uncertain Significance.

This study involves interpretation of variants in research participants for the purpose of population health screening. Participant phenotype was not available at the time of variant classification. Additional details can be found in publication PMID: 35346344, PMCID: PMC8962531

Revvity Omics, Revvity
Classification: Uncertain significance. Last evaluated: 2022-06-30. Review status: criteria provided, single submitter. Criteria: ACMG Guidelines, 2015. Collection method: clinical testing. Allele origin: germline.

Victorian Clinical Genetics Services, Murdoch Childrens Research Institute
Classification: Uncertain significance for Arrhythmogenic right ventricular dysplasia 5. Last evaluated: 2020-05-21. Review status: criteria provided, single submitter. Criteria: ACMG Guidelines, 2015. Collection method: clinical testing. Allele origin: germline. Inheritance: Autosomal dominant inheritance.
Comment: Based on the classification scheme VCGS_Germline_v1.1.1, this variant is classified as a 3B-VUS. Following criteria are met: 0105 - The mechanism of disease for this gene is not clearly established. (N) 0107 - This gene is known to be associated with autosomal dominant disease. (N) 0200 - Variant is predicted to result in a missense amino acid change from a valine to a methionine (exon 3). (N) 0251 - Variant is heterozygous. (N) 0302 - Variant is present in gnomAD <0.001 for a dominant condition (12 heterozygotes, 0 homozygotes). (P) 0502 - Missense variant with conflicting in silico predictions and/or uninformative conservation. (N) 0600 - Variant is located in an annotated domain or motif (perinuclear space of the protein; PDB, Uniprot) (N) 0705 - No comparable variants have previous evidence for pathogenicity. (N) 0807 - Variant has not previously been reported in a clinical context. (N) 0905 - No segregation evidence has been identified for this variant. (N) 1007 - No published functional evidence has been identified for this variant. (N) 1208 - Segregation information for this variant is not currently available. (N) Legend: (P) - Pathogenic, (N) - Neutral, (B) - Benign

CHEO Genetics Diagnostic Laboratory, Children's Hospital of Eastern Ontario
Classification: Uncertain significance for Cardiomyopathy. Last evaluated: 2017-01-09. Review status: criteria provided, single submitter. Criteria: ACMG Guidelines, 2015. Collection method: clinical testing. Allele origin: germline. Study: Canadian Open Genetics Repository.

Literature cited by the submitters: PubMed 27532257 (cited by Labcorp Genetics (formerly Invitae), Labcorp and Ambry Genetics).

NM_024334.3(TMEM43):c.214G>A (p.Val72Met)

Gene: TMEM43 (transmembrane protein 43; plus strand). Cytogenetic location: 3p25.1.
Variant type: single nucleotide variant.
Coding change: c.214G>A on transcript NM_024334.3 (MANE Select); coding-DNA position 214, G replaced by A.
Protein change: p.Val72Met; replaces valine 72 with methionine.
Molecular consequence: missense variant.
Genome position (GRCh38, 1-based): chr3:14,130,873, G>A. VCF-style: chr3-14130873-G-A. GRCh37 (hg19) VCF-style: chr3-14172373-G-A.
Other names: p.V72M:GTG>ATG; short protein forms V72M.
Identifiers: ClinVar variation 202124 (VCV000202124.36), dbSNP rs368603914, ClinGen allele CA024626.